The following is an entry in ClinVar:

NM_052963.3(TOP1MT):c.935C>T (p.Ala312Val)

Gene: TOP1MT (DNA topoisomerase I mitochondrial; minus strand). Cytogenetic location: 8q24.3.
Variant type: single nucleotide variant.
Coding change: c.935C>T on transcript NM_052963.3 (MANE Select); coding-DNA position 935, C replaced by T.
Protein change: p.Ala312Val; replaces alanine 312 with valine.
Molecular consequence: missense variant.
Genome position (GRCh38, 1-based): chr8:143,324,024, G>A on the plus strand (C>T on the coding strand, the complement: TOP1MT is on the minus strand). VCF-style: chr8-143324024-G-A. GRCh37 (hg19) VCF-style: chr8-144406194-G-A.
Other names: c.641C>T, p.Ala214Val (NM_001258446.1, NM_001258447.1); short protein forms A214V, A312V.
Identifiers: ClinVar variation 1385619 (VCV001385619.6), dbSNP rs764945190, ClinGen allele CA4908630.

ClinVar aggregate classification (germline): Uncertain significance (1 of 4 stars; one submission).

Allele frequency attached by ClinVar (database versions not stated): ExAC 0.00001; gnomAD exomes 0.00001 and 0.00002; gnomAD 0.00003; TOPMed 0.00006.
gnomAD v4.1: 19 of 1,613,642 alleles (0.0012%); highest among the groups gnomAD compares: Admixed American, 0.012%; no homozygotes.

Submission:

Labcorp Genetics (formerly Invitae), Labcorp
Classification: Uncertain significance. Last evaluated: 2025-09-02. Review status: criteria provided, single submitter. Criteria: Invitae Variant Classification Sherloc (09022015). Collection method: clinical testing. Allele origin: germline.
Comment: This sequence change replaces alanine, which is neutral and non-polar, with valine, which is neutral and non-polar, at codon 312 of the TOP1MT protein (p.Ala312Val). This variant is present in population databases (rs764945190, gnomAD 0.009%). This variant has not been reported in the literature in individuals affected with TOP1MT-related conditions. ClinVar contains an entry for this variant (Variation ID: 1385619). Invitae Evidence Modeling of protein sequence and biophysical properties (such as structural, functional, and spatial information, amino acid conservation, physicochemical variation, residue mobility, and thermodynamic stability) indicates that this missense variant is expected to disrupt TOP1MT protein function with a positive predictive value of 80%. In summary, the available evidence is currently insufficient to determine the role of this variant in disease. Therefore, it has been classified as a Variant of Uncertain Significance.